The following is an entry in ClinVar:

NM_020774.4(MIB1):c.478_479delinsAT (p.Gly160Ile)

Gene: MIB1 (MIB E3 ubiquitin protein ligase 1; plus strand). Cytogenetic location: 18q11.2.
Variant type: Indel.
Coding change: c.478_479delinsAT on transcript NM_020774.4 (MANE Select); coding-DNA positions 478 to 479, GG replaced by AT.
Protein change: p.Gly160Ile; replaces glycine 160 with isoleucine.
Molecular consequence: missense variant.
Genome position (GRCh38, 1-based): chr18:21,768,699-21,768,700, GG replaced by AT. VCF-style: chr18-21768699-GG-AT. GRCh37 (hg19) VCF-style: chr18-19348660-GG-AT.
Other names: c.478_479delGGinsAT, p.Gly160Ile (NM_020774.3); short protein forms G160I.
Identifiers: ClinVar variation 3372780 (VCV003372780.1).

ClinVar aggregate classification (germline): Uncertain significance (1 of 4 stars; one submission).

Submission:

GeneDx
Classification: Uncertain significance. Last evaluated: 2024-04-23. Review status: criteria provided, single submitter. Criteria: GeneDx Variant Classification Process June 2021. Collection method: clinical testing. Allele origin: germline. Affected: yes.
Comment: Has not been previously published as pathogenic or benign to our knowledge; Not observed at significant frequency in large population cohorts (gnomAD); In silico analysis supports a deleterious effect on protein structure/function